The following is an entry in ClinVar:

ClinVar aggregate classification (germline): Uncertain significance (1 of 4 stars; one submission).

gnomAD v4.1: 2 of 1,613,374 alleles (0.00012%); highest among the groups gnomAD compares: South Asian, 0.0022%; no homozygotes.

Submission:

Labcorp Genetics (formerly Invitae), Labcorp
Classification: Uncertain significance. Last evaluated: 2025-05-13. Review status: criteria provided, single submitter. Criteria: Invitae Variant Classification Sherloc (09022015). Collection method: clinical testing. Allele origin: germline.
Comment: This sequence change replaces serine, which is neutral and polar, with threonine, which is neutral and polar, at codon 688 of the PLG protein (p.Ser688Thr). This variant is present in population databases (rs776753449, gnomAD 0.003%). This variant has not been reported in the literature in individuals affected with PLG-related conditions. Invitae Evidence Modeling of protein sequence and biophysical properties (such as structural, functional, and spatial information, amino acid conservation, physicochemical variation, residue mobility, and thermodynamic stability) indicates that this missense variant is not expected to disrupt PLG protein function with a negative predictive value of 80%. In summary, the available evidence is currently insufficient to determine the role of this variant in disease. Therefore, it has been classified as a Variant of Uncertain Significance.

NM_000301.5(PLG):c.2062T>A (p.Ser688Thr)

Gene: PLG (plasminogen; plus strand). Cytogenetic location: 6q26.
Variant type: single nucleotide variant.
Coding change: c.2062T>A on transcript NM_000301.5 (MANE Select); coding-DNA position 2062, T replaced by A.
Protein change: p.Ser688Thr; replaces serine 688 with threonine.
Molecular consequence: missense variant.
Genome position (GRCh38, 1-based): chr6:160,741,354, T>A. VCF-style: chr6-160741354-T-A. GRCh37 (hg19) VCF-style: chr6-161162386-T-A.
Other names: short protein forms S688T.
Identifiers: ClinVar variation 4740654 (VCV004740654.1).